The following is an entry in ClinVar:

ClinVar aggregate classification (germline): Pathogenic/Likely pathogenic. Review status: criteria provided, multiple submitters, no conflicts (2 of 4 stars). 2 submissions from 2 submitters: Pathogenic (1); Likely pathogenic (1). Last evaluated 2024-01-05.

Conditions:
Leber congenital amaurosis 8 (LCA8). Identifiers: Orphanet 65, MedGen C3151202, MONDO:0013453, OMIM 613835.
Retinitis pigmentosa 12 (RP12). Also called: RP WITH OR WITHOUT PRESERVED PARAARTERIOLE RETINAL PIGMENT EPITHELIUM; RETINITIS PIGMENTOSA WITH OR WITHOUT PARAARTERIOLAR PRESERVATION OF RETINAL PIGMENT EPITHELIUM; RP WITH OR WITHOUT PPRPE. Identifiers: Orphanet 791, MedGen C1838647, MONDO:0010818, OMIM 600105.

Submissions (2):

Baylor Genetics
Classification: Likely pathogenic for Leber congenital amaurosis 8. Last evaluated: 2024-01-05. Review status: criteria provided, single submitter. Criteria: ACMG Guidelines, 2015. Collection method: clinical testing. Allele origin: unknown.

Labcorp Genetics (formerly Invitae), Labcorp
Classification: Pathogenic for Leber congenital amaurosis 8; Retinitis pigmentosa 12. Last evaluated: 2023-08-16. Review status: criteria provided, single submitter. Criteria: Invitae Variant Classification Sherloc (09022015). Collection method: clinical testing. Allele origin: germline.
Comment: This sequence change creates a premature translational stop signal (p.Ile961Tyrfs*27) in the CRB1 gene. It is expected to result in an absent or disrupted protein product. Loss-of-function variants in CRB1 are known to be pathogenic (PMID: 10508521, 22065545, 23379534, 25412400, 26957898, 28041643, 29391521). For these reasons, this variant has been classified as Pathogenic. This variant has not been reported in the literature in individuals affected with CRB1-related conditions. This variant is present in population databases (no rsID available, gnomAD no frequency).

Literature cited by the submitters: PubMed 10508521 (cited by Labcorp Genetics (formerly Invitae), Labcorp); PubMed 22065545 (cited by Labcorp Genetics (formerly Invitae), Labcorp); PubMed 23379534 (cited by Labcorp Genetics (formerly Invitae), Labcorp); PubMed 25412400 (cited by Labcorp Genetics (formerly Invitae), Labcorp); PubMed 26957898 (cited by Labcorp Genetics (formerly Invitae), Labcorp); PubMed 28041643 (cited by Labcorp Genetics (formerly Invitae), Labcorp); PubMed 29391521 (cited by Labcorp Genetics (formerly Invitae), Labcorp).

NM_201253.3(CRB1):c.2881del (p.Ile961fs)

Gene: CRB1 (crumbs cell polarity complex component 1; plus strand). Cytogenetic location: 1q31.3.
Variant type: Deletion.
Coding change: c.2881del on transcript NM_201253.3 (MANE Select); coding-DNA position 2881, one base deleted (A; older notation c.2881delA).
Protein change: p.Ile961fs; shifts the reading frame from isoleucine 961.
Molecular consequence: frameshift variant. On other transcripts: non-coding transcript variant (2), intron variant (1).
Genome position (GRCh38, 1-based): chr1:197,434,744, A deleted; the last of 3 consecutive A bases (chr1:197,434,742-197,434,744); deleting any one gives the same sequence. VCF-style (leftmost placement, unchanged base first): chr1-197434741-CA-C. GRCh37 (hg19) VCF-style: chr1-197403871-CA-C.
Other names: c.2545del, p.Ile849fs (NM_001193640.2); c.2809del, p.Ile937fs (NM_001257965.2); c.2129-856del (NM_001257966.2); short protein forms I937fs, I961fs, I849fs.
Identifiers: ClinVar variation 2921927 (VCV002921927.4), dbSNP rs1208370356, ClinGen allele CA528535452.
Genomic context (GRCh38, chr1:197,434,741, plus strand): 5'-GATTATTATCACCTTCTCTCATTAGGTATTGCAAATGCTGTTTTTAATGGACAAAGCGGT[CA>C]AATATTATTCAGAAGCAATGGGAATATTACCAGAGAACTCACCAATATCACATTTGGTTT-3'